The following is an entry in ClinVar:

ClinVar aggregate classification (germline): Uncertain significance (1 of 4 stars; one submission).

Submission:

Ambry Genetics
Classification: Uncertain significance. Last evaluated: 2026-03-09. Review status: criteria provided, single submitter. Criteria: Ambry Variant Classification Scheme 2023. Collection method: clinical testing. Allele origin: germline.
Comment: The p.G248C variant (also known as c.742G>T), located in coding exon 1 of the MC1R gene, results from a G to T substitution at nucleotide position 742. The glycine at codon 248 is replaced by cysteine, an amino acid with highly dissimilar properties. This amino acid position is conserved. In addition, this alteration is predicted to be deleterious by in silico analysis. Based on the available evidence, the clinical significance of this variant remains unclear.

NM_002386.4(MC1R):c.742G>T (p.Gly248Cys)

Gene: MC1R (melanocortin 1 receptor; plus strand). Cytogenetic location: 16q24.3.
Variant type: single nucleotide variant.
Coding change: c.742G>T on transcript NM_002386.4 (MANE Select); coding-DNA position 742, G replaced by T.
Protein change: p.Gly248Cys; replaces glycine 248 with cysteine.
Molecular consequence: missense variant.
Genome position (GRCh38, 1-based): chr16:89,920,000, G>T. VCF-style: chr16-89920000-G-T. GRCh37 (hg19) VCF-style: chr16-89986408-G-T.
Other names: short protein forms G248C.
Identifiers: ClinVar variation 4826607 (VCV004826607.1).